The following is an entry in ClinVar:

Conditions:
Breast-ovarian cancer, familial, susceptibility to, 1 (BROVCA1). Also called: BRCA1 Hereditary Breast and Ovarian Cancer; OVARIAN CANCER, SUSCEPTIBILITY TO. Identifiers: Orphanet 145, MedGen C2676676, MONDO:0011450, OMIM 604370. Disease mechanism: loss of function.

Submission:

Brotman Baty Institute, University of Washington
No classification provided (evidence only). Condition: Breast-ovarian cancer, familial 1. Review status: no classification provided. Collection method: in vitro. Allele origin: not applicable. Functional consequence: functionally_normal.
ClinVar note: "not provided" was previously submitted as the classification for the variant. However, the classification appeared to be based only on an observation of functional data so it was converted to no classification on 2025-07-30.

NM_007294.4(BRCA1):c.5178A>T (p.Arg1726Ser)

Gene: BRCA1 (BRCA1 DNA repair associated; minus strand). Cytogenetic location: 17q21.31.
Variant type: single nucleotide variant.
Coding change: c.5178A>T on transcript NM_007294.4 (MANE Select); coding-DNA position 5178, A replaced by T.
Protein change: p.Arg1726Ser; replaces arginine 1726 with serine.
Molecular consequence: missense variant. On other transcripts: non-coding transcript variant (1).
Genome position (GRCh38, 1-based): chr17:43,063,348, T>A on the plus strand (A>T on the coding strand, the complement: BRCA1 is on the minus strand). VCF-style: chr17-43063348-T-A. GRCh37 (hg19) VCF-style: chr17-41215365-T-A.
Other names: c.4965A>T, p.Arg1655Ser (NM_001407571.1, NM_001407900.1, NM_001407902.1 and 12 more transcripts); c.5244A>T, p.Arg1748Ser (NM_001407581.1, NM_001407582.1); c.5241A>T, p.Arg1747Ser (NM_001407583.1, NM_001407585.1, NM_001407587.1 and 1 more transcripts); c.5175A>T, p.Arg1725Ser (NM_001407610.1, NM_001407611.1, NM_001407612.1 and 17 more transcripts); c.5172A>T, p.Arg1724Ser (NM_001407629.1, NM_001407630.1, NM_001407631.1 and 14 more transcripts); c.5118A>T, p.Arg1706Ser (NM_001407649.1); c.5100A>T, p.Arg1700Ser (NM_001407652.1, NM_001407653.1, NM_001407654.1 and 1 more transcripts); c.5097A>T, p.Arg1699Ser (NM_001407656.1, NM_001407657.1, NM_001407658.1); and 72 more; short protein forms R1747S, R1726S, R622S, R1679S, R1430S, R1613S, R1614S, R1677S.
Identifiers: ClinVar variation 865085 (VCV000865085.3), dbSNP rs2051860476, ClinGen allele CA10591188.
Genomic context (GRCh38, chr17:43,063,348, plus strand): 5'-GACTGAATGAATATCTCTGGTTAGTTTGTAACATCAAGTACTTACCTCATTCAGCATTTT[T>A]CTTTCTTTAATAGACTGGGTCACCCCTAAAGAGATCATAGAAAAGACAGGTTACATACAG-3'
Protein context (NP_009225.1, residues 1716-1736): YFWVTQSIKE[Arg1726Ser]KMLNEHDFEV